The following is an entry in ClinVar:

NM_001244008.2(KIF1A):c.1467C>T (p.Gly489=)

Gene: KIF1A (kinesin family member 1A; minus strand). Cytogenetic location: 2q37.3.
Variant type: single nucleotide variant.
Coding change: c.1467C>T on transcript NM_001244008.2 (MANE Select); coding-DNA position 1467, C replaced by T.
Protein change: p.Gly489=; no amino-acid change (glycine 489 retained).
Molecular consequence: synonymous variant.
Genome position (GRCh38, 1-based): chr2:240,769,163, G>A on the plus strand (C>T on the coding strand, the complement: KIF1A is on the minus strand). VCF-style: chr2-240769163-G-A. GRCh37 (hg19) VCF-style: chr2-241708580-G-A.
Other names: c.1467C>T, p.Gly489= (NM_001320705.2, NM_001330289.2, NM_001379638.1); c.1542C>T, p.Gly514= (NM_001330290.2, NM_001379631.1, NM_001379634.1 and 2 more transcripts); c.1440C>T, p.Gly480= (NM_001379632.1, NM_001379633.1, NM_001379636.1 and 10 more transcripts); c.1515C>T, p.Gly505= (NM_001379637.1, NM_001379648.1).
Identifiers: ClinVar variation 1137632 (VCV001137632.17), dbSNP rs759456451, ClinGen allele CA2208390.

ClinVar aggregate classification (germline): Likely benign. Review status: criteria provided, multiple submitters, no conflicts (2 of 4 stars). 2 submissions from 2 submitters: Likely benign (2). Last evaluated 2025-06-01.

Conditions:
Neuropathy, hereditary sensory, type 2C. Also called: Hereditary sensory and autonomic neuropathy type IIC; KIF1A-Related HSAN2 (HSAN2C). Identifiers: Orphanet 970, MedGen C3280168, MONDO:0013634, OMIM 614213.
Intellectual disability, autosomal dominant 9 (NESCAVS). Also called: NESCAV SYNDROME; KIF1A-Related Neurodevelopmental Disorder. Identifiers: Orphanet 662367, MedGen C5393830, MONDO:0013656, OMIM 614255.
Hereditary spastic paraplegia 30. Identifiers: Orphanet 101010, MedGen C5235139, MONDO:0012476.

Allele frequency attached by ClinVar (database versions not stated): gnomAD 0.00001; gnomAD exomes 0.00001; ExAC 0.00005.
gnomAD v4.1: 19 of 1,610,920 alleles (0.0012%); highest among the groups gnomAD compares: Admixed American, 0.0084%; no homozygotes.

Submissions (2):

CeGaT Center for Human Genetics Tuebingen
Classification: Likely benign. Last evaluated: 2025-06-01. Review status: criteria provided, single submitter. Criteria: CeGaT Center For Human Genetics Tuebingen Variant Classification Criteria Version 2. Collection method: clinical testing. Allele origin: germline. Affected: yes. Observed: 1 variant allele.
Comment: KIF1A: BP4, BP7

Labcorp Genetics (formerly Invitae), Labcorp
Classification: Likely benign for Hereditary spastic paraplegia 30; Neuropathy, hereditary sensory, type 2C; Intellectual disability, autosomal dominant 9. Last evaluated: 2025-03-12. Review status: criteria provided, single submitter. Criteria: Invitae Variant Classification Sherloc (09022015). Collection method: clinical testing. Allele origin: germline.